The following is an entry in ClinVar:

NM_001082486.2(ACD):c.-14G>T

Gene: ACD (ACD shelterin complex subunit and telomerase recruitment factor; minus strand). Cytogenetic location: 16q22.1.
Variant type: single nucleotide variant.
Coding change: c.-14G>T on transcript NM_001082486.2 (MANE Select); 14 bases upstream of the start codon, G replaced by T.
Molecular consequence: 5 prime UTR variant.
Genome position (GRCh38, 1-based): chr16:67,660,234, C>A on the plus strand (G>T on the coding strand, the complement: ACD is on the minus strand). VCF-style: chr16-67660234-C-A. GRCh37 (hg19) VCF-style: chr16-67694137-C-A.
Other names: c.-14G>T (NM_001410884.1, NM_022914.3).
Identifiers: ClinVar variation 1992278 (VCV001992278.4), dbSNP rs778737223, ClinGen allele CA396359267.
Genomic context (GRCh38, chr16:67,660,234, plus strand): 5'-AGCTCCCGAATCCAGGGCCGTAGGACCAGCCTCCCCGAACCTGCCATCCCCACGGCTACA[C>A]CCAGCGGATGCAACGGGCCCGGGTTTCCCGCGGGCGCCCAGGCCCCGCCTTTCCTCGGAA-3'

ClinVar aggregate classification (germline): Uncertain significance (1 of 4 stars; one submission).

Conditions:
Dyskeratosis congenita, autosomal dominant 6 (DKCA6). Identifiers: Orphanet 3322, MedGen C4225284, MONDO:0014690, OMIM 616553.

Submission:

Labcorp Genetics (formerly Invitae), Labcorp
Classification: Uncertain significance for Dyskeratosis congenita, autosomal dominant 6. Last evaluated: 2022-10-10. Review status: criteria provided, single submitter. Criteria: Invitae Variant Classification Sherloc (09022015). Collection method: clinical testing. Allele origin: germline.
Comment: In summary, the available evidence is currently insufficient to determine the role of this variant in disease. Therefore, it has been classified as a Variant of Uncertain Significance. Algorithms developed to predict the effect of missense changes on protein structure and function are either unavailable or do not agree on the potential impact of this missense change (SIFT: "Deleterious"; PolyPhen-2: "Benign"; Align-GVGD: "Class C0"). This variant has not been reported in the literature in individuals affected with ACD-related conditions. This variant is present in population databases (no rsID available, gnomAD 0.007%). This sequence change replaces glycine, which is neutral and non-polar, with valine, which is neutral and non-polar, at codon 82 of the ACD protein (p.Gly82Val).